The following is an entry in ClinVar:

ClinVar aggregate classification (germline): Pathogenic/Likely pathogenic. Review status: criteria provided, multiple submitters, no conflicts (2 of 4 stars). 3 submissions from 3 submitters: Pathogenic (2); Likely pathogenic (1). Last evaluated 2024-06-10.

Conditions:
Autosomal recessive limb-girdle muscular dystrophy type R18 (LGMDR18). Also called: Limb-girdle muscular dystrophy, type 2S; MUSCULAR DYSTROPHY, LIMB-GIRDLE, AUTOSOMAL RECESSIVE 18; Autosomal recessive limb-girdle muscular dystrophy type 2S. Identifiers: Orphanet 369840, MedGen C4517996, MONDO:0014144, OMIM 615356.

Allele frequency attached by ClinVar (database versions not stated): TOPMed below 0.00001; ExAC 0.00001; gnomAD exomes 0.00001.
gnomAD v4.1: 15 of 1,614,100 alleles (0.00093%); highest among the groups gnomAD compares: East Asian, 0.0022%; no homozygotes.

Submissions (3):

Fulgent Genetics
Classification: Likely pathogenic for Autosomal recessive limb-girdle muscular dystrophy type R18. Last evaluated: 2024-06-10. Review status: criteria provided, single submitter. Criteria: ACMG Guidelines, 2015. Collection method: clinical testing. Allele origin: germline.

Labcorp Genetics (formerly Invitae), Labcorp
Classification: Pathogenic for Autosomal recessive limb-girdle muscular dystrophy type R18. Last evaluated: 2023-10-23. Review status: criteria provided, single submitter. Criteria: Invitae Variant Classification Sherloc (09022015). Collection method: clinical testing. Allele origin: germline.
Comment: This sequence change creates a premature translational stop signal (p.Arg34*) in the TRAPPC11 gene. It is expected to result in an absent or disrupted protein product. Loss-of-function variants in TRAPPC11 are known to be pathogenic (PMID: 23830518, 26322222). This variant is present in population databases (rs569565392, gnomAD 0.003%). This premature translational stop signal has been observed in individual(s) with clinical features consistent with limb-girdle muscular dystrophy (PMID: 34648194). ClinVar contains an entry for this variant (Variation ID: 620437). For these reasons, this variant has been classified as Pathogenic.

GeneDx
Classification: Pathogenic. Last evaluated: 2023-01-11. Review status: criteria provided, single submitter. Criteria: GeneDx Variant Classification Process June 2021. Collection method: clinical testing. Allele origin: germline. Affected: yes.
Comment: Nonsense variant predicted to result in protein truncation or nonsense mediated decay in a gene for which loss of function is a known mechanism of disease; Not observed at significant frequency in large population cohorts (gnomAD); This variant is associated with the following publications: (PMID: 25898173, 34648194)

Literature cited by the submitters: PubMed 23830518 (cited by Labcorp Genetics (formerly Invitae), Labcorp); PubMed 26322222 (cited by Labcorp Genetics (formerly Invitae), Labcorp); PubMed 34648194 (cited by Labcorp Genetics (formerly Invitae), Labcorp).

NM_021942.6(TRAPPC11):c.100C>T (p.Arg34Ter)

Gene: TRAPPC11 (trafficking protein particle complex subunit 11; plus strand). Cytogenetic location: 4q35.1.
Variant type: single nucleotide variant.
Coding change: c.100C>T on transcript NM_021942.6 (MANE Select); coding-DNA position 100, C replaced by T.
Protein change: p.Arg34Ter; replaces arginine 34 with a stop codon.
Molecular consequence: nonsense.
Genome position (GRCh38, 1-based): chr4:183,663,967, C>T. VCF-style: chr4-183663967-C-T. GRCh37 (hg19) VCF-style: chr4-184585120-C-T.
Other names: c.100C>T, p.Arg34Ter (NM_199053.3); short protein forms R34*.
Identifiers: ClinVar variation 620437 (VCV000620437.8), dbSNP rs569565392, ClinGen allele CA3151479.